The following is an entry in ClinVar:

NM_014712.3(SETD1A):c.2995A>C (p.Lys999Gln)

Gene: SETD1A (SET domain containing 1A, histone lysine methyltransferase; plus strand). Cytogenetic location: 16p11.2.
Variant type: single nucleotide variant.
Coding change: c.2995A>C on transcript NM_014712.3 (MANE Select); coding-DNA position 2995, A replaced by C.
Protein change: p.Lys999Gln; replaces lysine 999 with glutamine.
Molecular consequence: missense variant.
Genome position (GRCh38, 1-based): chr16:30,969,668, A>C. VCF-style: chr16-30969668-A-C. GRCh37 (hg19) VCF-style: chr16-30980989-A-C.
Other names: short protein forms K999Q.
Identifiers: ClinVar variation 5017530 (VCV005017530.1).

ClinVar aggregate classification (germline): Uncertain significance (1 of 4 stars; one submission).

Submission:

GeneDx
Classification: Uncertain significance. Last evaluated: 2026-03-28. Review status: criteria provided, single submitter. Criteria: GeneDx Variant Classification Process June 2021. Collection method: clinical testing. Allele origin: germline.
Comment: Not observed at significant frequency in large population cohorts (gnomAD); In silico analysis suggests that this missense variant does not alter protein structure/function; Has not been previously published as pathogenic or benign to our knowledge